The following is an entry in ClinVar:

NM_005428.4(VAV1):c.1463C>A (p.Thr488Lys)

Gene: VAV1 (vav guanine nucleotide exchange factor 1; plus strand). Cytogenetic location: 19p13.3.
Variant type: single nucleotide variant.
Coding change: c.1463C>A on transcript NM_005428.4 (MANE Select); coding-DNA position 1463, C replaced by A.
Protein change: p.Thr488Lys; replaces threonine 488 with lysine.
Molecular consequence: missense variant.
Genome position (GRCh38, 1-based): chr19:6,832,155, C>A. VCF-style: chr19-6832155-C-A. GRCh37 (hg19) VCF-style: chr19-6832166-C-A.
Other names: c.1463C>A, p.Thr488Lys (NM_001258206.2); c.1367C>A, p.Thr456Lys (NM_001258207.2); short protein forms T456K, T488K.
Identifiers: ClinVar variation 1430780 (VCV001430780.8), dbSNP rs2144789376, ClinGen allele CA403626254.

ClinVar aggregate classification (germline): Uncertain significance (1 of 4 stars; one submission).

Submission:

Labcorp Genetics (formerly Invitae), Labcorp
Classification: Uncertain significance. Last evaluated: 2025-08-22. Review status: criteria provided, single submitter. Criteria: Invitae Variant Classification Sherloc (09022015). Collection method: clinical testing. Allele origin: germline.
Comment: This sequence change replaces threonine, which is neutral and polar, with lysine, which is basic and polar, at codon 488 of the VAV1 protein (p.Thr488Lys). This variant is not present in population databases (gnomAD no frequency). This variant has not been reported in the literature in individuals affected with VAV1-related conditions. ClinVar contains an entry for this variant (Variation ID: 1430780). An algorithm developed to predict the effect of missense changes on protein structure and function (PolyPhen-2) suggests that this variant is likely to be disruptive. In summary, the available evidence is currently insufficient to determine the role of this variant in disease. Therefore, it has been classified as a Variant of Uncertain Significance.